The following is an entry in ClinVar:

ClinVar aggregate classification (germline): Conflicting classifications of pathogenicity. Review status: criteria provided, conflicting classifications (1 of 4 stars). 2 submissions from 2 submitters: Uncertain significance (1); Likely benign (1). Last evaluated 2025-12-02.

Conditions:
RYR1-related disorder. Also called: RYR1-related condition; RYR1-related disorders. Identifiers: MedGen CN239331.

Allele frequency attached by ClinVar (database versions not stated): gnomAD exomes below 0.00001.

Submissions (2):

Labcorp Genetics (formerly Invitae), Labcorp
Classification: Likely benign for RYR1-related disorder. Last evaluated: 2025-12-02. Review status: criteria provided, single submitter. Criteria: Invitae Variant Classification Sherloc (09022015). Collection method: clinical testing. Allele origin: germline.

PreventionGenetics, part of Exact Sciences
Classification: Uncertain significance for RYR1-related condition. Last evaluated: 2022-09-15. Review status: criteria provided, single submitter. Criteria: ACMG Guidelines, 2015. Collection method: clinical testing. Allele origin: germline.
Comment: The RYR1 c.3216C>T variant is not predicted to result in an amino acid change (p.=). To our knowledge, this variant has not been reported in the literature or in a large population database, indicating this variant is rare. This variant is predicted to alter splicing based on available splicing prediction programs (Alamut Visual v2.11). However, the use of computer prediction programs is not equivalent to functional evidence. At this time, the clinical significance of this variant is uncertain due to the absence of conclusive functional and genetic evidence.

NM_000540.3(RYR1):c.3216C>T (p.Arg1072=)

Gene: RYR1 (ryanodine receptor 1; plus strand). Cytogenetic location: 19q13.2.
Variant type: single nucleotide variant.
Coding change: c.3216C>T on transcript NM_000540.3 (MANE Select); coding-DNA position 3216, C replaced by T.
Protein change: p.Arg1072=; no amino-acid change (arginine 1072 retained).
Molecular consequence: synonymous variant.
Genome position (GRCh38, 1-based): chr19:38,467,647, C>T. VCF-style: chr19-38467647-C-T. GRCh37 (hg19) VCF-style: chr19-38958287-C-T.
Other names: c.3216C>T (NM_000540.2); c.3216C>T, p.Arg1072= (NM_001042723.2).
Identifiers: ClinVar variation 1136611 (VCV001136611.9), dbSNP rs1968178599, ClinGen allele CA507234634.